The following is an entry in ClinVar:

ClinVar aggregate classification (germline): Likely benign. Review status: criteria provided, multiple submitters, no conflicts (2 of 4 stars). 2 submissions from 2 submitters: Likely benign (2). Last evaluated 2025-12-11.

Conditions:
ABCB11-related disorder. Also called: ABCB11-related condition.

Allele frequency attached by ClinVar (database versions not stated): gnomAD 0.00002 and 0.00003; gnomAD exomes 0.00004 and 0.00007; TOPMed 0.00004; ExAC 0.00005; 1000 Genomes Project 30x 0.00016; 1000 Genomes Project 0.00020.
gnomAD v4.1: 105 of 1,609,540 alleles (0.0065%); highest among the groups gnomAD compares: Non-Finnish European, 0.0079%; no homozygotes.

Submissions (2):

PreventionGenetics, part of Exact Sciences
Classification: Likely benign for ABCB11-related condition. Last evaluated: 2025-12-11. Review status: criteria provided, single submitter. Criteria: ACMG Guidelines, 2015. Collection method: clinical testing. Allele origin: germline.
Comment: This variant is classified as likely benign based on ACMG/AMP sequence variant interpretation guidelines (Richards et al. 2015 PMID: 25741868, with internal and published modifications).

Labcorp Genetics (formerly Invitae), Labcorp
Classification: Likely benign. Last evaluated: 2024-03-14. Review status: criteria provided, single submitter. Criteria: Invitae Variant Classification Sherloc (09022015). Collection method: clinical testing. Allele origin: germline.

NM_003742.4(ABCB11):c.2295C>T (p.Asn765=)

Gene: ABCB11 (ATP binding cassette subfamily B member 11; minus strand). Cytogenetic location: 2q31.1.
Variant type: single nucleotide variant.
Coding change: c.2295C>T on transcript NM_003742.4 (MANE Select); coding-DNA position 2295, C replaced by T.
Protein change: p.Asn765=; no amino-acid change (asparagine 765 retained).
Molecular consequence: synonymous variant.
Genome position (GRCh38, 1-based): chr2:168,958,012, G>A on the plus strand (C>T on the coding strand, the complement: ABCB11 is on the minus strand). VCF-style: chr2-168958012-G-A. GRCh37 (hg19) VCF-style: chr2-169814522-G-A.
Other names: c.2295C>T (NM_003742.2).
Identifiers: ClinVar variation 1134753 (VCV001134753.10), dbSNP rs202158121, ClinGen allele CA1951316.